The following is an entry in ClinVar:

NM_000057.4(BLM):c.3020-3T>C

Gene: BLM (BLM RecQ like helicase; plus strand). Cytogenetic location: 15q26.1.
Variant type: single nucleotide variant.
Coding change: c.3020-3T>C on transcript NM_000057.4 (MANE Select); 3 bases into the intron before coding-DNA position 3020, T replaced by C.
Molecular consequence: intron variant.
Genome position (GRCh38, 1-based): chr15:90,794,164, T>C. VCF-style: chr15-90794164-T-C. GRCh37 (hg19) VCF-style: chr15-91337394-T-C.
Other names: c.3020-3T>C (NM_001287246.2, NM_001287247.2); c.1895-3T>C (NM_001287248.2).
Identifiers: ClinVar variation 846732 (VCV000846732.9), dbSNP rs1896971029, ClinGen allele CA916079959.

ClinVar aggregate classification (germline): Uncertain significance. Review status: criteria provided, single submitter (1 of 4 stars). 2 submissions from 2 submitters: Uncertain significance (1). 1 of the submissions does not count toward it. Last evaluated 2025-06-01.

Conditions:
Bloom syndrome (BLM). Also called: Bloom-Torre-Machacek syndrome. Identifiers: Orphanet 125, MedGen C0005859, MONDO:0008876, OMIM 210900.

Allele frequency attached by ClinVar (database versions not stated): gnomAD exomes below 0.00001.

Submissions (2):

Labcorp Genetics (formerly Invitae), Labcorp
Classification: Uncertain significance for Bloom syndrome. Last evaluated: 2025-06-01. Review status: criteria provided, single submitter. Criteria: Invitae Variant Classification Sherloc (09022015). Collection method: clinical testing. Allele origin: germline.
Comment: This sequence change falls in intron 15 of the BLM gene. It does not directly change the encoded amino acid sequence of the BLM protein. It affects a nucleotide within the consensus splice site. This variant is not present in population databases (gnomAD no frequency). This variant has not been reported in the literature in individuals affected with BLM-related conditions. ClinVar contains an entry for this variant (Variation ID: 846732). Variants that disrupt the consensus splice site are a relatively common cause of aberrant splicing (PMID: 17576681, 9536098). Algorithms developed to predict the effect of sequence changes on RNA splicing suggest that this variant is not likely to affect RNA splicing. In summary, the available evidence is currently insufficient to determine the role of this variant in disease. Therefore, it has been classified as a Variant of Uncertain Significance.

Natera, Inc.
Classification: Uncertain significance for Bloom syndrome. Last evaluated: 2018-11-04. Review status: no assertion criteria provided. Collection method: clinical testing. Allele origin: germline. Not counted in ClinVar's aggregate classification.

Literature cited by the submitters: PubMed 17576681 (cited by Labcorp Genetics (formerly Invitae), Labcorp); PubMed 9536098 (cited by Labcorp Genetics (formerly Invitae), Labcorp).